The following is an entry in ClinVar:

ClinVar aggregate classification (germline): Uncertain significance. Review status: criteria provided, multiple submitters, no conflicts (2 of 4 stars). 3 submissions from 3 submitters: Uncertain significance (3). Last evaluated 2025-09-28.

Conditions:
Hereditary cancer-predisposing syndrome. Also called: Neoplastic Syndromes, Hereditary; Tumor predisposition; Hereditary Cancer Syndrome; Hereditary neoplastic syndrome. Identifiers: Orphanet 140162, MedGen C0027672, MeSH D009386, MONDO:0015356.
Aplastic anemia. Identifiers: Orphanet 182040, Orphanet 88, MedGen C0002874, MONDO:0015909, OMIM 609135, HP:0001915.
Microcephaly, normal intelligence and immunodeficiency (NBS). Also called: Nijmegen breakage syndrome; Immunodeficiency, microcephaly with normal intelligence; SEEMANOVA SYNDROME II; Microcephaly with normal intelligence immunodeficiency and lymphoreticular malignancies; Nonsyndromal microcephaly autosomal recessive with normal intelligence; Seemanova syndrome 2. Identifiers: Orphanet 647, MedGen C0398791, MONDO:0009623, OMIM 251260.

Submissions (3):

Labcorp Genetics (formerly Invitae), Labcorp
Classification: Uncertain significance for Microcephaly, normal intelligence and immunodeficiency. Last evaluated: 2025-09-28. Review status: criteria provided, single submitter. Criteria: Invitae Variant Classification Sherloc (09022015). Collection method: clinical testing. Allele origin: germline.
Comment: This sequence change replaces alanine, which is neutral and non-polar, with valine, which is neutral and non-polar, at codon 541 of the NBN protein (p.Ala541Val). This variant is not present in population databases (gnomAD no frequency). This variant has not been reported in the literature in individuals affected with NBN-related conditions. ClinVar contains an entry for this variant (Variation ID: 567582). An algorithm developed to predict the effect of missense changes on protein structure and function (PolyPhen-2) suggests that this variant is likely to be tolerated. In summary, the available evidence is currently insufficient to determine the role of this variant in disease. Therefore, it has been classified as a Variant of Uncertain Significance.

Ambry Genetics
Classification: Uncertain significance for Hereditary cancer-predisposing syndrome. Last evaluated: 2025-09-25. Review status: criteria provided, single submitter. Criteria: Ambry Variant Classification Scheme 2023. Collection method: clinical testing. Allele origin: germline.

Baylor Genetics
Classification: Uncertain significance for Aplastic anemia. Last evaluated: 2023-09-27. Review status: criteria provided, single submitter. Criteria: ACMG Guidelines, 2015. Collection method: clinical testing. Allele origin: unknown.

NM_002485.5(NBN):c.1622C>T (p.Ala541Val)

Gene: NBN (nibrin; minus strand). Cytogenetic location: 8q21.3.
Variant type: single nucleotide variant.
Coding change: c.1622C>T on transcript NM_002485.5 (MANE Select); coding-DNA position 1622, C replaced by T.
Protein change: p.Ala541Val; replaces alanine 541 with valine.
Molecular consequence: missense variant.
Genome position (GRCh38, 1-based): chr8:89,953,467, G>A on the plus strand (C>T on the coding strand, the complement: NBN is on the minus strand). VCF-style: chr8-89953467-G-A. GRCh37 (hg19) VCF-style: chr8-90965695-G-A.
Other names: c.1376C>T, p.Ala459Val (NM_001024688.3); short protein forms A541V, A459V.
Identifiers: ClinVar variation 567582 (VCV000567582.11), dbSNP rs876658501, ClinGen allele CA181257881.
Genomic context (GRCh38, chr8:89,953,467, plus strand): 5'-TCATCTTCTATGGCCACATCATCCATTTCCCTTTTTTTATTTGATCTTAGCTTTTCTGCA[G>A]CATGAGATTTACTGGCAGAATTTTTCACAATAGATTTTAAATCTGTATCTGTAAATAAGT-3'
Protein context (NP_002476.2, residues 531-551): IVKNSASKSH[Ala541Val]AEKLRSNKKR